The following is an entry in ClinVar:

ClinVar aggregate classification (germline): Uncertain significance (1 of 4 stars; one submission).

Submission:

Labcorp Genetics (formerly Invitae), Labcorp
Classification: Uncertain significance. Last evaluated: 2023-09-19. Review status: criteria provided, single submitter. Criteria: Invitae Variant Classification Sherloc (09022015). Collection method: clinical testing. Allele origin: germline.
Comment: This sequence change replaces methionine, which is neutral and non-polar, with arginine, which is basic and polar, at codon 131 of the CPOX protein (p.Met131Arg). Advanced modeling of protein sequence and biophysical properties (such as structural, functional, and spatial information, amino acid conservation, physicochemical variation, residue mobility, and thermodynamic stability) performed at Invitae indicates that this missense variant is not expected to disrupt CPOX protein function. In summary, the available evidence is currently insufficient to determine the role of this variant in disease. Therefore, it has been classified as a Variant of Uncertain Significance. This variant is not present in population databases (gnomAD no frequency). This variant has not been reported in the literature in individuals affected with CPOX-related conditions.

NM_000097.7(CPOX):c.392T>G (p.Met131Arg)

Gene: CPOX (coproporphyrinogen oxidase; minus strand). Cytogenetic location: 3q11.2.
Variant type: single nucleotide variant.
Coding change: c.392T>G on transcript NM_000097.7 (MANE Select); coding-DNA position 392, T replaced by G.
Protein change: p.Met131Arg; replaces methionine 131 with arginine.
Molecular consequence: missense variant.
Genome position (GRCh38, 1-based): chr3:98,593,113, A>C on the plus strand (T>G on the coding strand, the complement: CPOX is on the minus strand). VCF-style: chr3-98593113-A-C. GRCh37 (hg19) VCF-style: chr3-98311957-A-C.
Other names: short protein forms M131R.
Identifiers: ClinVar variation 2815459 (VCV002815459.3), dbSNP rs754571279, ClinGen allele CA353646564.